The following is an entry in ClinVar:

NM_016955.4(SEPSECS):c.1432G>A (p.Asp478Asn)

Gene: SEPSECS (Sep (O-phosphoserine) tRNA:Sec (selenocysteine) tRNA synthase; minus strand). Cytogenetic location: 4p15.2.
Variant type: single nucleotide variant.
Coding change: c.1432G>A on transcript NM_016955.4 (MANE Select); coding-DNA position 1432, G replaced by A.
Protein change: p.Asp478Asn; replaces aspartic acid 478 with asparagine.
Molecular consequence: missense variant.
Genome position (GRCh38, 1-based): chr4:25,124,005, C>T on the plus strand (G>A on the coding strand, the complement: SEPSECS is on the minus strand). VCF-style: chr4-25124005-C-T. GRCh37 (hg19) VCF-style: chr4-25125627-C-T.
Other names: short protein forms D478N.
Identifiers: ClinVar variation 1365704 (VCV001365704.6), dbSNP rs569305247, ClinGen allele CA2877145.

ClinVar aggregate classification (germline): Uncertain significance (1 of 4 stars; one submission).

Allele frequency attached by ClinVar (database versions not stated): gnomAD exomes below 0.00001; TOPMed below 0.00001; ExAC 0.00001; gnomAD 0.00001 and 0.00002; 1000 Genomes Project 30x 0.00016; 1000 Genomes Project 0.00020.
gnomAD v4.1: 4 of 1,613,498 alleles (0.00025%); highest among the groups gnomAD compares: African/African-American, 0.004%; no homozygotes.

Submission:

Labcorp Genetics (formerly Invitae), Labcorp
Classification: Uncertain significance. Last evaluated: 2021-10-06. Review status: criteria provided, single submitter. Criteria: Invitae Variant Classification Sherloc (09022015). Collection method: clinical testing. Allele origin: germline.
Comment: In summary, the available evidence is currently insufficient to determine the role of this variant in disease. Therefore, it has been classified as a Variant of Uncertain Significance. Algorithms developed to predict the effect of missense changes on protein structure and function output the following: SIFT: "Tolerated"; PolyPhen-2: "Benign"; Align-GVGD: "Class C0". The asparagine amino acid residue is found in multiple mammalian species, which suggests that this missense change does not adversely affect protein function. This variant has not been reported in the literature in individuals affected with SEPSECS-related conditions. This variant is present in population databases (rs569305247, ExAC 0.01%). This sequence change replaces aspartic acid with asparagine at codon 478 of the SEPSECS protein (p.Asp478Asn). The aspartic acid residue is moderately conserved and there is a small physicochemical difference between aspartic acid and asparagine.